The following is an entry in ClinVar:

NM_002907.4(RECQL):c.1652T>G (p.Ile551Arg)

Gene: RECQL (RecQ like helicase; minus strand). Cytogenetic location: 12p12.1.
Variant type: single nucleotide variant.
Coding change: c.1652T>G on transcript NM_002907.4 (MANE Select); coding-DNA position 1652, T replaced by G.
Protein change: p.Ile551Arg; replaces isoleucine 551 with arginine.
Molecular consequence: missense variant.
Genome position (GRCh38, 1-based): chr12:21,471,443, A>C on the plus strand (T>G on the coding strand, the complement: RECQL is on the minus strand). VCF-style: chr12-21471443-A-C. GRCh37 (hg19) VCF-style: chr12-21624377-A-C.
Other names: c.1652T>G, p.Ile551Arg (NM_032941.3); short protein forms I551R.
Identifiers: ClinVar variation 852743 (VCV000852743.13), dbSNP rs1942959774, ClinGen allele CA384115010.

ClinVar aggregate classification (germline): Uncertain significance. Review status: criteria provided, multiple submitters, no conflicts (2 of 4 stars). 2 submissions from 2 submitters: Uncertain significance (2). Last evaluated 2026-01-27.

Submissions (2):

Labcorp Genetics (formerly Invitae), Labcorp
Classification: Uncertain significance. Last evaluated: 2026-01-27. Review status: criteria provided, single submitter. Criteria: Invitae Variant Classification Sherloc (09022015). Collection method: clinical testing. Allele origin: germline.
Comment: This sequence change replaces isoleucine, which is neutral and non-polar, with arginine, which is basic and polar, at codon 551 of the RECQL protein (p.Ile551Arg). This variant is not present in population databases (gnomAD no frequency). This variant has not been reported in the literature in individuals affected with RECQL-related conditions. ClinVar contains an entry for this variant (Variation ID: 852743). Invitae Evidence Modeling of protein sequence and biophysical properties (such as structural, functional, and spatial information, amino acid conservation, physicochemical variation, residue mobility, and thermodynamic stability) indicates that this missense variant is not expected to disrupt RECQL protein function with a negative predictive value of 80%. In summary, the available evidence is currently insufficient to determine the role of this variant in disease. Therefore, it has been classified as a Variant of Uncertain Significance.

Ambry Genetics
Classification: Uncertain significance. Last evaluated: 2024-10-20. Review status: criteria provided, single submitter. Criteria: Ambry Variant Classification Scheme 2023. Collection method: clinical testing. Allele origin: germline.
Comment: The p.I551R variant (also known as c.1652T>G), located in coding exon 12 of the RECQL gene, results from a T to G substitution at nucleotide position 1652. The isoleucine at codon 551 is replaced by arginine, an amino acid with similar properties. This amino acid position is conserved. In addition, this alteration is predicted to be tolerated by in silico analysis. Since supporting evidence is limited at this time, the clinical significance of this alteration remains unclear.